The following is an entry in ClinVar:

ClinVar aggregate classification (germline): Uncertain significance (1 of 4 stars; one submission).

Conditions:
PEX6-related disorder. Also called: PEX6-related disorders; PEX6-related condition.

gnomAD v4.1: 1 of 1,613,742 alleles (0.000062%); highest among the groups gnomAD compares: Non-Finnish European, 0.000085%; no homozygotes.

Submission:

PreventionGenetics, part of Exact Sciences
Classification: Uncertain significance for PEX6-related condition. Last evaluated: 2025-07-28. Review status: criteria provided, single submitter. Criteria: ACMG Guidelines, 2015. Collection method: clinical testing. Allele origin: germline.
Comment: The PEX6 c.2825C>T variant is predicted to result in the amino acid substitution p.Ser942Leu. To our knowledge, this variant has not been reported in the literature or in a large population database (gnomAD), indicating this variant is rare. At this time, the clinical significance of this variant is uncertain due to the absence of conclusive functional and genetic evidence.

NM_000287.4(PEX6):c.2825C>T (p.Ser942Leu)

Gene: PEX6 (peroxisomal biogenesis factor 6; minus strand). Cytogenetic location: 6p21.1.
Variant type: single nucleotide variant.
Coding change: c.2825C>T on transcript NM_000287.4 (MANE Select); coding-DNA position 2825, C replaced by T.
Protein change: p.Ser942Leu; replaces serine 942 with leucine.
Molecular consequence: missense variant. On other transcripts: non-coding transcript variant (1).
Genome position (GRCh38, 1-based): chr6:42,964,453, G>A on the plus strand (C>T on the coding strand, the complement: PEX6 is on the minus strand). VCF-style: chr6-42964453-G-A. GRCh37 (hg19) VCF-style: chr6-42932191-G-A.
Other names: c.2561C>T, p.Ser854Leu (NM_001316313.2); short protein forms S854L, S942L.
Identifiers: ClinVar variation 4998460 (VCV004998460.1).
Genomic context (GRCh38, chr6:42,964,453, plus strand): 5'-ACTGAGGGTTGCAGCCGGGCGGCAGCCTGCAGCAAGTCCTCCATGGTGAGCATCAGTGCT[G>A]AGCTACCTGGCTCCAGCCCTGGAGATGACAAGGTGGGGAGGCTGTGGTCTATGCCCAGGC-3'
Protein context (NP_000278.3, residues 932-952): DLEEGLEPGS[Ser942Leu]ALMLTMEDLL